The following is an entry in ClinVar:

ClinVar aggregate classification (germline): Conflicting classifications of pathogenicity. Review status: criteria provided, conflicting classifications (1 of 4 stars). 4 submissions from 4 submitters: Uncertain significance (1); Likely benign (3). Last evaluated 2025-10-30.

Conditions:
Familial cancer of breast. Also called: BREAST CANCER, FAMILIAL; Hereditary breast cancer; hereditary breast carcinoma. Identifiers: Orphanet 227535, MedGen C0346153, MONDO:0016419, OMIM 114480. Disease mechanism: loss of function.
Hereditary cancer-predisposing syndrome. Also called: Tumor predisposition; Hereditary Cancer Syndrome; Hereditary neoplastic syndrome; Neoplastic Syndromes, Hereditary. Identifiers: Orphanet 140162, MedGen C0027672, MeSH D009386, MONDO:0015356.

Allele frequency attached by ClinVar (database versions not stated): gnomAD exomes below 0.00001.
gnomAD v4.1: 1 of 1,613,102 alleles (0.000062%); highest among the groups gnomAD compares: South Asian, 0.0011%; no homozygotes.

Submissions (4):

Labcorp Genetics (formerly Invitae), Labcorp
Classification: Likely benign for Familial cancer of breast. Last evaluated: 2025-10-30. Review status: criteria provided, single submitter. Criteria: Invitae Variant Classification Sherloc (09022015). Collection method: clinical testing. Allele origin: germline.

Center for Genomic Medicine, Rigshospitalet, Copenhagen University Hospital
Classification: Uncertain significance. Last evaluated: 2025-03-04. Review status: criteria provided, single submitter. Criteria: ACMG Guidelines, 2015. Collection method: clinical testing. Allele origin: germline.

Myriad Genetics, Inc.
Classification: Likely benign for Familial cancer of breast. Last evaluated: 2025-01-17. Review status: criteria provided, single submitter. Criteria: Myriad Autosomal Dominant, Autosomal Recessive and X-Linked Classification Criteria (2023). Collection method: clinical testing. Allele origin: unknown.
Comment: This variant is considered likely benign. This variant is intronic and is not expected to impact mRNA splicing.

Ambry Genetics
Classification: Likely benign for Hereditary cancer-predisposing syndrome. Last evaluated: 2023-12-13. Review status: criteria provided, single submitter. Criteria: Ambry Variant Classification Scheme 2023. Collection method: clinical testing. Allele origin: germline.

NM_024675.4(PALB2):c.2835-3T>C

Gene: PALB2 (partner and localizer of BRCA2; minus strand). Cytogenetic location: 16p12.2.
Variant type: single nucleotide variant.
Coding change: c.2835-3T>C on transcript NM_024675.4 (MANE Select); 3 bases into the intron before coding-DNA position 2835, T replaced by C.
Molecular consequence: intron variant.
Genome position (GRCh38, 1-based): chr16:23,623,133, A>G on the plus strand (T>C on the coding strand, the complement: PALB2 is on the minus strand). VCF-style: chr16-23623133-A-G. GRCh37 (hg19) VCF-style: chr16-23634454-A-G.
Identifiers: ClinVar variation 410200 (VCV000410200.19), dbSNP rs1060502795, ClinGen allele CA16615078.